The following is an entry in ClinVar:

ClinVar aggregate classification (germline): Likely benign (1 of 4 stars; one submission).

Allele frequency attached by ClinVar (database versions not stated): gnomAD 0.01062; TOPMed 0.01219; 1000 Genomes Project 0.01458; 1000 Genomes Project 30x 0.01515.
gnomAD v4.1: 1,677 of 152,252 alleles (1.1%); highest among the groups gnomAD compares: African/African-American, 3.6%; 32 homozygotes.

Submission:

GeneDx
Classification: Likely benign. Last evaluated: 2018-06-14. Review status: criteria provided, single submitter. Criteria: GeneDx Variant Classification (06012015). Collection method: clinical testing. Allele origin: germline. Affected: yes.
Comment: This variant is considered likely benign or benign based on one or more of the following criteria: it is a conservative change, it occurs at a poorly conserved position in the protein, it is predicted to be benign by multiple in silico algorithms, and/or has population frequency not consistent with disease.

NM_006440.5(TXNRD2):c.103+278C>T

Gene: TXNRD2 (thioredoxin reductase 2; minus strand). Cytogenetic location: 22q11.21.
Variant type: single nucleotide variant.
Coding change: c.103+278C>T on transcript NM_006440.5 (MANE Select); 278 bases into the intron after coding-DNA position 103, C replaced by T.
Molecular consequence: intron variant.
Genome position (GRCh38, 1-based): chr22:19,941,423, G>A on the plus strand (C>T on the coding strand, the complement: TXNRD2 is on the minus strand). VCF-style: chr22-19941423-G-A. GRCh37 (hg19) VCF-style: chr22-19928946-G-A.
Other names: c.103+278C>T (NM_001352300.2, NM_001282512.3).
Identifiers: ClinVar variation 671519 (VCV000671519.1), dbSNP rs45559342, ClinGen allele CA322111526.